The following is an entry in ClinVar:

ClinVar aggregate classification (germline): Uncertain significance. Review status: criteria provided, multiple submitters, no conflicts (2 of 4 stars). 6 submissions from 6 submitters: Uncertain significance (4). 2 of the submissions do not count toward it. Last evaluated 2026-02-02.

Conditions:
ERCC6L2-related disorder. Also called: ERCC6L2-related condition.
Pancytopenia-developmental delay syndrome. Also called: Bone marrow failure syndrome 2. Identifiers: Orphanet 401764, MedGen C3810350, MONDO:0014317, OMIM 615715.

Allele frequency attached by ClinVar (database versions not stated): 1000 Genomes Project 30x 0.00062; gnomAD 0.00101 and 0.00102; gnomAD exomes 0.00115 and 0.00099; ExAC 0.00050; 1000 Genomes Project 0.00060; TOPMed 0.00106.
gnomAD v4.1: 1,436 of 1,289,522 alleles (0.11%); highest among the groups gnomAD compares: Admixed American, 0.21%; 1 homozygote.

Submissions (6):

Labcorp Genetics (formerly Invitae), Labcorp
Classification: Uncertain significance. Last evaluated: 2026-02-02. Review status: criteria provided, single submitter. Criteria: Invitae Variant Classification Sherloc (09022015). Collection method: clinical testing. Allele origin: germline.
Comment: This sequence change replaces arginine, which is basic and polar, with lysine, which is basic and polar, at codon 963 of the ERCC6L2 protein (p.Arg963Lys). This variant is present in population databases (rs185740878, gnomAD 0.2%), and has an allele count higher than expected for a pathogenic variant. This variant has not been reported in the literature in individuals affected with ERCC6L2-related conditions. ClinVar contains an entry for this variant (Variation ID: 1053992). Experimental studies and prediction algorithms are not available or were not evaluated, and the functional significance of this variant is currently unknown. In summary, the available evidence is currently insufficient to determine the role of this variant in disease. Therefore, it has been classified as a Variant of Uncertain Significance.

Blueprint Genetics
Classification: Uncertain significance. Last evaluated: 2024-11-08. Review status: criteria provided, single submitter. Criteria: ACMG Guidelines, 2015. Collection method: clinical testing. Allele origin: germline.

GeneDx
Classification: Uncertain significance. Last evaluated: 2024-05-07. Review status: criteria provided, single submitter. Criteria: GeneDx Variant Classification Process June 2021. Collection method: clinical testing. Allele origin: germline. Affected: yes.
Comment: In silico analysis indicates that this missense variant does not alter protein structure/function; Has not been previously published as pathogenic or benign to our knowledge

ARUP Laboratories, Molecular Genetics and Genomics, ARUP Laboratories
Classification: Uncertain significance for Pancytopenia-developmental delay syndrome. Last evaluated: 2024-02-07. Review status: criteria provided, single submitter. Criteria: ARUP Molecular Germline Variant Investigation Process 2024. Collection method: clinical testing. Allele origin: germline.

Genetic Services Laboratory, University of Chicago
Classification: Uncertain significance. Last evaluated: 2022-11-06. Review status: no assertion criteria provided. Collection method: clinical testing. Allele origin: germline. Affected: no. Not counted in ClinVar's aggregate classification.
Comment: DNA sequence analysis of the ERCC6L2 gene demonstrated a sequence change, c.2888G>A, in exon 16 that results in an amino acid change, p.Arg963Lys. This sequence change does not appear to have been previously described in individuals with ERCC6L2-related disorders. This sequence change has been described in the gnomAD database with a frequency of 0.16% in the Latino subpopulation (dbSNP rs185740878). The p.Arg963Lys change affects a poorly conserved amino acid residue located in a domain of the ERCC6L2 protein that is not known to be functional. The p.Arg963Lys substitution appears to be benign using several in-silico pathogenicity prediction tools (SIFT, PolyPhen2, Align GVGD, REVEL). Due to insufficient evidences and the lack of functional studies, the clinical significance of the p.Arg963Lys change remains unknown at this time.

PreventionGenetics, part of Exact Sciences
Classification: Likely benign for ERCC6L2-related condition. Last evaluated: 2022-04-11. Review status: no assertion criteria provided. Collection method: clinical testing. Allele origin: germline. Not counted in ClinVar's aggregate classification.
Comment: This variant is classified as likely benign based on ACMG/AMP sequence variant interpretation guidelines (Richards et al. 2015 PMID: 25741868, with internal and published modifications).

NM_020207.7(ERCC6L2):c.2855G>A (p.Arg952Lys)

Gene: ERCC6L2 (ERCC excision repair 6 like 2; plus strand). Cytogenetic location: 9q22.32.
Variant type: single nucleotide variant.
Coding change: c.2855G>A on transcript NM_020207.7 (MANE Select); coding-DNA position 2855, G replaced by A.
Protein change: p.Arg952Lys; replaces arginine 952 with lysine.
Molecular consequence: missense variant. On other transcripts: non-coding transcript variant (1).
Genome position (GRCh38, 1-based): chr9:95,972,606, G>A. VCF-style: chr9-95972606-G-A. GRCh37 (hg19) VCF-style: chr9-98734888-G-A.
Other names: c.2855G>A, p.Arg952Lys (NM_001375291.1, NM_001375292.1, NM_001375293.1 and 1 more transcripts); c.2888G>A (NM_020207.4); short protein forms R952K.
Identifiers: ClinVar variation 1053992 (VCV001053992.12), dbSNP rs185740878, ClinGen allele CA5139837.